The following is an entry in ClinVar:

NM_001376.5(DYNC1H1):c.13705A>G (p.Thr4569Ala)

Gene: DYNC1H1 (dynein cytoplasmic 1 heavy chain 1; plus strand). Cytogenetic location: 14q32.31.
Variant type: single nucleotide variant.
Coding change: c.13705A>G on transcript NM_001376.5 (MANE Select); coding-DNA position 13705, A replaced by G.
Protein change: p.Thr4569Ala; replaces threonine 4569 with alanine.
Molecular consequence: missense variant.
Genome position (GRCh38, 1-based): chr14:102,050,091, A>G. VCF-style: chr14-102050091-A-G. GRCh37 (hg19) VCF-style: chr14-102516428-A-G.
Other names: short protein forms T4569A.
Identifiers: ClinVar variation 3252178 (VCV003252178.1), dbSNP rs2503891362.

ClinVar aggregate classification (germline): Uncertain significance (1 of 4 stars; one submission).

Submission:

GeneDx
Classification: Uncertain significance. Last evaluated: 2023-10-01. Review status: criteria provided, single submitter. Criteria: GeneDx Variant Classification Process June 2021. Collection method: clinical testing. Allele origin: germline. Affected: yes.
Comment: Not observed at significant frequency in large population cohorts (gnomAD); In silico analysis supports that this missense variant does not alter protein structure/function; Has not been previously published as pathogenic or benign to our knowledge; This variant is associated with the following publications: (PMID: 25512093, 25609763, 26100331)